The following is an entry in ClinVar:

NM_001040274.3(SYCP2L):c.1432G>A (p.Asp478Asn)

Gene: SYCP2L (synaptonemal complex protein 2 like; plus strand). Cytogenetic location: 6p24.2.
Variant type: single nucleotide variant.
Coding change: c.1432G>A on transcript NM_001040274.3 (MANE Select); coding-DNA position 1432, G replaced by A.
Protein change: p.Asp478Asn; replaces aspartic acid 478 with asparagine.
Molecular consequence: missense variant.
Genome position (GRCh38, 1-based): chr6:10,927,359, G>A. VCF-style: chr6-10927359-G-A. GRCh37 (hg19) VCF-style: chr6-10927592-G-A.
Other names: short protein forms D478N.
Identifiers: ClinVar variation 3388006 (VCV003388006.14).

ClinVar aggregate classification (germline): Likely benign (1 of 4 stars; one submission).

gnomAD v4.1: 6,812 of 1,611,830 alleles (0.42%); highest among the groups gnomAD compares: Non-Finnish European, 0.51%; 14 homozygotes.

Submission:

CeGaT Center for Human Genetics Tuebingen
Classification: Likely benign. Last evaluated: 2024-09-01. Review status: criteria provided, single submitter. Criteria: CeGaT Center For Human Genetics Tuebingen Variant Classification Criteria Version 2. Collection method: clinical testing. Allele origin: germline. Affected: yes. Observed: 1 variant allele.
Comment: SYCP2L: BP4, BS1